The following is an entry in ClinVar:

NM_007194.4(CHEK2):c.1585G>A (p.Gly529Ser)

Gene: CHEK2 (checkpoint kinase 2; minus strand). Cytogenetic location: 22q12.1.
Variant type: single nucleotide variant.
Coding change: c.1585G>A on transcript NM_007194.4 (MANE Select); coding-DNA position 1585, G replaced by A.
Protein change: p.Gly529Ser; replaces glycine 529 with serine.
Molecular consequence: missense variant.
Genome position (GRCh38, 1-based): chr22:28,687,944, C>T on the plus strand (G>A on the coding strand, the complement: CHEK2 is on the minus strand). VCF-style: chr22-28687944-C-T. GRCh37 (hg19) VCF-style: chr22-29083932-C-T.
Other names: c.1714G>A, p.Gly572Ser (NM_001005735.3); c.922G>A, p.Gly308Ser (NM_001257387.3); c.1384G>A, p.Gly462Ser (NM_001349956.3); c.1498G>A, p.Gly500Ser (NM_145862.3); short protein forms G308S, G462S, G500S, G529S, G572S.
Identifiers: ClinVar variation 2681874 (VCV002681874.5), dbSNP rs2145738037, ClinGen allele CA411091206.
Genomic context (GRCh38, chr22:28,687,944, plus strand): 5'-CAAACCACGGAGTTCACAACACAGCAGCACACACAGCTGGGCGCTTTGTGGTCTCGGCAC[C>T]CTCGGCTTCCCCTTCACGGGGCCGCTTTCGACTAGTAGAAGGCTGAAAATAAAGGAAAAT-3'
Protein context (NP_009125.1, residues 519-539): RKRPREGEAE[Gly529Ser]AETTKRPAVC

ClinVar aggregate classification (germline): Conflicting classifications of pathogenicity. Review status: criteria provided, conflicting classifications (1 of 4 stars). 3 submissions from 3 submitters: Uncertain significance (2); Likely benign (1). Last evaluated 2026-05-15.

Conditions:
Hereditary cancer-predisposing syndrome. Also called: Tumor predisposition; Hereditary neoplastic syndrome; Neoplastic Syndromes, Hereditary; Hereditary Cancer Syndrome. Identifiers: Orphanet 140162, MedGen C0027672, MeSH D009386, MONDO:0015356.
Familial cancer of breast. Also called: hereditary breast carcinoma; Hereditary breast cancer; BREAST CANCER, FAMILIAL. Identifiers: Orphanet 227535, MedGen C0346153, MONDO:0016419, OMIM 114480. Disease mechanism: loss of function.

Submissions (3):

Ambry Genetics
Classification: Likely benign for Hereditary cancer-predisposing syndrome. Last evaluated: 2026-05-15. Review status: criteria provided, single submitter. Criteria: Ambry Variant Classification Scheme 2023. Collection method: clinical testing. Allele origin: germline.

Labcorp Genetics (formerly Invitae), Labcorp
Classification: Uncertain significance for Familial cancer of breast. Last evaluated: 2023-08-01. Review status: criteria provided, single submitter. Criteria: Invitae Variant Classification Sherloc (09022015). Collection method: clinical testing. Allele origin: germline.
Comment: In summary, the available evidence is currently insufficient to determine the role of this variant in disease. Therefore, it has been classified as a Variant of Uncertain Significance. An algorithm developed to predict the effect of missense changes on protein structure and function (PolyPhen-2) suggests that this variant is likely to be tolerated. This variant has not been reported in the literature in individuals affected with CHEK2-related conditions. This variant is not present in population databases (gnomAD no frequency). This sequence change replaces glycine, which is neutral and non-polar, with serine, which is neutral and polar, at codon 529 of the CHEK2 protein (p.Gly529Ser).

Quest Diagnostics Nichols Institute San Juan Capistrano
Classification: Uncertain significance. Last evaluated: 2023-06-05. Review status: criteria provided, single submitter. Criteria: Quest Diagnostics criteria. Collection method: clinical testing. Allele origin: unknown.
Comment: In the published literature, this variant has been reported in In a large case-control study, the variant was observed in an individual with breast cancer (PMID: 33471991 (2021), see also LOVD). This variant has not been reported in large, multi-ethnic general populations (Genome Aggregation Database). Analysis of this variant using bioinformatics tools for the prediction of the effect of amino acid changes on protein structure and function yielded predictions that this variant is benign. Based on the available information, we are unable to determine the clinical significance of this variant.

Literature cited by the submitters: PubMed 33471991 (cited by Quest Diagnostics Nichols Institute San Juan Capistrano).